The following is an entry in ClinVar:

NM_006160.4(NEUROD2):c.977_978del (p.Ser326fs)

Gene: NEUROD2 (neuronal differentiation 2; minus strand). Cytogenetic location: 17q12.
Variant type: Microsatellite.
Coding change: c.977_978del on transcript NM_006160.4 (MANE Select); coding-DNA positions 977 to 978, 2 bases deleted (CT; older notation c.977_978delCT).
Protein change: p.Ser326fs; shifts the reading frame from serine 326.
Molecular consequence: frameshift variant.
Genome position (GRCh38, 1-based): chr17:39,605,622-39,605,623, AG deleted on the plus strand (CT on the coding strand, the reverse complement: NEUROD2 is on the minus strand); deleting any 2 consecutive bases within chr17:39,605,622-39,605,625 gives the same sequence; the c. name uses the placement nearest the transcript's 3' end. VCF-style (leftmost placement, unchanged base first): chr17-39605621-TAG-T. GRCh37 (hg19) VCF-style: chr17-37761874-TAG-T.
Other names: short protein forms S326fs.
Identifiers: ClinVar variation 1193278 (VCV001193278.2), dbSNP rs2144811663, ClinGen allele CA2580613124.

ClinVar aggregate classification (germline): Uncertain significance (1 of 4 stars; one submission).

Submission:

GeneDx
Classification: Uncertain significance. Last evaluated: 2020-06-22. Review status: criteria provided, single submitter. Criteria: GeneDx Variant Classification Process June 2021. Collection method: clinical testing. Allele origin: germline. Affected: yes.
Comment: Not observed in large population cohorts (Lek et al., 2016); Frameshift variant predicted to result in protein truncation as the last 57 amino acids are replaced with 55 different amino acids, although loss-of-function variants have not been reported downstream of this position in the protein; Has not been previously published as pathogenic or benign to our knowledge; Variants in candidate genes are classified as variants of uncertain significance in accordance with ACMG guidelines (Richards et al., 2015)